The following is an entry in ClinVar:

NM_006914.4(RORB):c.471C>G (p.Asn157Lys)

Gene: RORB (RAR related orphan receptor B; plus strand). Cytogenetic location: 9q21.13.
Variant type: single nucleotide variant.
Coding change: c.471C>G on transcript NM_006914.4 (MANE Select); coding-DNA position 471, C replaced by G.
Protein change: p.Asn157Lys; replaces asparagine 157 with lysine.
Molecular consequence: missense variant.
Genome position (GRCh38, 1-based): chr9:74,642,649, C>G. VCF-style: chr9-74642649-C-G. GRCh37 (hg19) VCF-style: chr9-77257565-C-G.
Other names: c.504C>G, p.Asn168Lys (NM_001365023.1); short protein forms N168K, N157K.
Identifiers: ClinVar variation 3711959 (VCV003711959.15).

ClinVar aggregate classification (germline): Uncertain significance. Review status: criteria provided, multiple submitters, no conflicts (2 of 4 stars). 2 submissions from 2 submitters: Uncertain significance (2). Last evaluated 2025-02-01.

gnomAD v4.1: 3 of 1,614,202 alleles (0.00019%); highest among the groups gnomAD compares: Non-Finnish European, 0.00025%; no homozygotes.

Submissions (2):

CeGaT Center for Human Genetics Tuebingen
Classification: Uncertain significance. Last evaluated: 2025-02-01. Review status: criteria provided, single submitter. Criteria: CeGaT Center For Human Genetics Tuebingen Variant Classification Criteria Version 2. Collection method: clinical testing. Allele origin: germline. Affected: yes. Observed: 1 variant allele.
Comment: RORB: PM2:Supporting

Labcorp Genetics (formerly Invitae), Labcorp
Classification: Uncertain significance. Last evaluated: 2024-06-06. Review status: criteria provided, single submitter. Criteria: Invitae Variant Classification Sherloc (09022015). Collection method: clinical testing. Allele origin: germline.
Comment: This sequence change replaces asparagine, which is neutral and polar, with lysine, which is basic and polar, at codon 157 of the RORB protein (p.Asn157Lys). This variant is not present in population databases (gnomAD no frequency). This variant has not been reported in the literature in individuals affected with RORB-related conditions. An algorithm developed to predict the effect of missense changes on protein structure and function (PolyPhen-2) suggests that this variant is likely to be tolerated. In summary, the available evidence is currently insufficient to determine the role of this variant in disease. Therefore, it has been classified as a Variant of Uncertain Significance.